The following is an entry in ClinVar:

NM_144997.7(FLCN):c.591C>T (p.Ile197=)

Gene: FLCN (folliculin; minus strand). Cytogenetic location: 17p11.2.
Variant type: single nucleotide variant.
Coding change: c.591C>T on transcript NM_144997.7 (MANE Select); coding-DNA position 591, C replaced by T.
Protein change: p.Ile197=; no amino-acid change (isoleucine 197 retained).
Molecular consequence: synonymous variant.
Genome position (GRCh38, 1-based): chr17:17,223,949, G>A on the plus strand (C>T on the coding strand, the complement: FLCN is on the minus strand). VCF-style: chr17-17223949-G-A. GRCh37 (hg19) VCF-style: chr17-17127263-G-A.
Other names: c.591C>T (LRG_325t1); c.645C>T, p.Ile215= (NM_001353229.2); c.591C>T, p.Ile197= (NM_001353230.2, NM_001353231.2, NM_144606.7).
Identifiers: ClinVar variation 428654 (VCV000428654.18), dbSNP rs763617124, ClinGen allele CA8416378.

ClinVar aggregate classification (germline): Benign/Likely benign. Review status: criteria provided, multiple submitters, no conflicts (2 of 4 stars). 3 submissions from 3 submitters: Benign (1); Likely benign (2). Last evaluated 2025-12-24.

Conditions:
Birt-Hogg-Dube syndrome 1 (BHD1). Also called: FIBROFOLLICULOMAS WITH TRICHODISCOMAS AND ACROCHORDONS. Identifiers: Orphanet 122, MedGen CN375946, MONDO:0800445, OMIM 135150.
Hereditary cancer-predisposing syndrome. Also called: Hereditary neoplastic syndrome; Tumor predisposition; Neoplastic Syndromes, Hereditary; Hereditary Cancer Syndrome. Identifiers: Orphanet 140162, MedGen C0027672, MeSH D009386, MONDO:0015356.
Birt-Hogg-Dube syndrome. Also called: Birt Hogg Dubé syndrome. Identifiers: Orphanet 122, MedGen C0346010, MONDO:0800444.

Allele frequency attached by ClinVar (database versions not stated): gnomAD 0.00002 and 0.00003; gnomAD exomes 0.00002 and 0.00004; TOPMed 0.00002; ExAC 0.00005.
gnomAD v4.1: 40 of 1,613,314 alleles (0.0025%); highest among the groups gnomAD compares: South Asian, 0.033%; no homozygotes.

Submissions (3):

Labcorp Genetics (formerly Invitae), Labcorp
Classification: Likely benign for Birt-Hogg-Dube syndrome. Last evaluated: 2025-12-24. Review status: criteria provided, single submitter. Criteria: Invitae Variant Classification Sherloc (09022015). Collection method: clinical testing. Allele origin: germline.

Myriad Genetics, Inc.
Classification: Benign for Birt-Hogg-Dube syndrome 1. Last evaluated: 2024-10-23. Review status: criteria provided, single submitter. Criteria: Myriad Autosomal Dominant, Autosomal Recessive and X-Linked Classification Criteria (2023). Collection method: clinical testing. Allele origin: unknown.
Comment: This variant is considered benign. This variant is a silent/synonymous amino acid change and it is not expected to impact splicing.

Ambry Genetics
Classification: Likely benign for Hereditary cancer-predisposing syndrome. Last evaluated: 2016-09-15. Review status: criteria provided, single submitter. Criteria: Ambry Variant Classification Scheme 2023. Collection method: clinical testing. Allele origin: germline.